The following is an entry in ClinVar:

ClinVar aggregate classification (germline): Benign (1 of 4 stars; one submission).

Conditions:
Diaphyseal medullary stenosis-bone malignancy syndrome. Also called: MYOPATHY, LIMB-GIRDLE, WITH BONE FRAGILITY; BONE DYSPLASIA WITH MALIGNANT FIBROUS HISTIOCYTOMA; BONE DYSPLASIA WITH MEDULLARY FIBROSARCOMA. Identifiers: Orphanet 85182, MedGen C1862177, MONDO:0007205, OMIM 112250.

Allele frequency attached by ClinVar (database versions not stated): gnomAD 0.00007 and 0.00010; gnomAD exomes 0.00014; ExAC 0.00017; TOPMed 0.00018; ESP Exome Variant Server 0.00023.
gnomAD v4.1: 430 of 1,613,036 alleles (0.027%); highest among the groups gnomAD compares: Non-Finnish European, 0.034%; no homozygotes.

Submission:

Illumina Laboratory Services, Illumina
Classification: Benign for Diaphyseal medullary stenosis-bone malignancy syndrome. Last evaluated: 2018-01-12. Review status: criteria provided, single submitter. Criteria: ICSL Variant Classification Criteria 13 December 2019. Collection method: clinical testing. Allele origin: germline.
Comment: This variant was observed in the ICSL laboratory as part of a predisposition screen in an ostensibly healthy population. It had not been previously curated by ICSL or reported in the Human Gene Mutation Database (HGMD: prior to June 1st, 2018), and was therefore a candidate for classification through an automated scoring system. Utilizing variant allele frequency, disease prevalence and penetrance estimates, and inheritance mode, an automated score was calculated to assess if this variant is too frequent to cause the disease. Based on the score and internal cut-off values, a variant classified as benign is not then subjected to further curation. The score for this variant resulted in a classification of benign for this disease.

NM_002451.4(MTAP):c.-5C>G

Gene: MTAP (methylthioadenosine phosphorylase; plus strand). Cytogenetic location: 9p21.3.
Variant type: single nucleotide variant.
Coding change: c.-5C>G on transcript NM_002451.4 (MANE Select); 5 bases upstream of the start codon, C replaced by G.
Molecular consequence: 5 prime UTR variant.
Genome position (GRCh38, 1-based): chr9:21,802,744, C>G. VCF-style: chr9-21802744-C-G. GRCh37 (hg19) VCF-style: chr9-21802743-C-G.
Identifiers: ClinVar variation 366234 (VCV000366234.5), dbSNP rs375344882, ClinGen allele CA5011617.